The following is an entry in ClinVar:

ClinVar aggregate classification (germline): Uncertain significance (1 of 4 stars; one submission).

Conditions:
Charcot-Marie-Tooth disease axonal type 2O. Also called: Charcot-Marie-Tooth Neuropathy Type 2O; Charcot-Marie-Tooth disease, axonal, type 20; CHARCOT-MARIE-TOOTH NEUROPATHY, AXONAL, TYPE 2O; CHARCOT-MARIE-TOOTH DISEASE, AXONAL, AUTOSOMAL DOMINANT, TYPE 2O. Identifiers: Orphanet 284232, MedGen C3280220, MONDO:0013644, OMIM 614228.

Submission:

Labcorp Genetics (formerly Invitae), Labcorp
Classification: Uncertain significance for Charcot-Marie-Tooth disease axonal type 2O. Last evaluated: 2025-10-22. Review status: criteria provided, single submitter. Criteria: Invitae Variant Classification Sherloc (09022015). Collection method: clinical testing. Allele origin: germline.
Comment: This sequence change replaces glutamic acid, which is acidic and polar, with aspartic acid, which is acidic and polar, at codon 3793 of the DYNC1H1 protein (p.Glu3793Asp). This variant is not present in population databases (gnomAD no frequency). This variant has not been reported in the literature in individuals affected with DYNC1H1-related conditions. ClinVar contains an entry for this variant (Variation ID: 1513401). Invitae Evidence Modeling of protein sequence and biophysical properties (such as structural, functional, and spatial information, amino acid conservation, physicochemical variation, residue mobility, and thermodynamic stability) has been performed for this missense variant. However, the output from this modeling did not meet the statistical confidence thresholds required to predict the impact of this variant on DYNC1H1 protein function. In summary, the available evidence is currently insufficient to determine the role of this variant in disease. Therefore, it has been classified as a Variant of Uncertain Significance.

NM_001376.5(DYNC1H1):c.11379G>T (p.Glu3793Asp)

Gene: DYNC1H1 (dynein cytoplasmic 1 heavy chain 1; plus strand). Cytogenetic location: 14q32.31.
Variant type: single nucleotide variant.
Coding change: c.11379G>T on transcript NM_001376.5 (MANE Select); coding-DNA position 11379, G replaced by T.
Protein change: p.Glu3793Asp; replaces glutamic acid 3793 with aspartic acid.
Molecular consequence: missense variant.
Genome position (GRCh38, 1-based): chr14:102,039,173, G>T. VCF-style: chr14-102039173-G-T. GRCh37 (hg19) VCF-style: chr14-102505510-G-T.
Other names: short protein forms E3793D.
Identifiers: ClinVar variation 1513401 (VCV001513401.8), dbSNP rs2152594990, ClinGen allele CA391033644.
Genomic context (GRCh38, chr14:102,039,173, plus strand): 5'-GAAGAGAGAGGCTGCAGAGGTCACCAGGAAAGTTGAGGAGACGGACATTGTCATGCAGGA[G>T]GTGGAGACCGTGTCCCAGCAGTACCTCCCGCTCTCCACCGCCTGCAGCAGCATCTACTTC-3'
Protein context (NP_001367.2, residues 3783-3803): KVEETDIVMQ[Glu3793Asp]VETVSQQYLP